The following is an entry in ClinVar:

NM_018117.12(WDR11):c.3258C>T (p.Tyr1086=)

Gene: WDR11 (WD repeat domain 11; plus strand). Cytogenetic location: 10q26.12.
Variant type: single nucleotide variant.
Coding change: c.3258C>T on transcript NM_018117.12 (MANE Select); coding-DNA position 3258, C replaced by T.
Protein change: p.Tyr1086=; no amino-acid change (tyrosine 1086 retained).
Molecular consequence: synonymous variant.
Genome position (GRCh38, 1-based): chr10:120,905,383, C>T. VCF-style: chr10-120905383-C-T. GRCh37 (hg19) VCF-style: chr10-122664895-C-T.
Identifiers: ClinVar variation 3032312 (VCV003032312.2), dbSNP rs370267257, ClinGen allele CA5720259.

ClinVar aggregate classification (germline): Likely benign (0 of 4 stars; one submission).

Conditions:
WDR11-related disorder. Also called: WDR11-related condition.

Allele frequency attached by ClinVar (database versions not stated): gnomAD 0.00001; TOPMed 0.00001; ExAC 0.00002; ESP Exome Variant Server 0.00008.
gnomAD v4.1: 14 of 1,614,014 alleles (0.00087%); highest among the groups gnomAD compares: East Asian, 0.0045%; no homozygotes.

Submission:

PreventionGenetics, part of Exact Sciences
Classification: Likely benign for WDR11-related condition. Last evaluated: 2021-02-18. Review status: no assertion criteria provided. Collection method: clinical testing. Allele origin: germline.
Comment: This variant is classified as likely benign based on ACMG/AMP sequence variant interpretation guidelines (Richards et al. 2015 PMID: 25741868, with internal and published modifications).